The following is an entry in ClinVar:

ClinVar aggregate classification (germline): Uncertain significance (1 of 4 stars; one submission).

Conditions:
Hereditary cancer-predisposing syndrome. Also called: Neoplastic Syndromes, Hereditary; Tumor predisposition; Hereditary neoplastic syndrome; Hereditary Cancer Syndrome. Identifiers: Orphanet 140162, MedGen C0027672, MeSH D009386, MONDO:0015356.

Submission:

Ambry Genetics
Classification: Uncertain significance for Hereditary cancer-predisposing syndrome. Last evaluated: 2023-11-10. Review status: criteria provided, single submitter. Criteria: Ambry Variant Classification Scheme 2023. Collection method: clinical testing. Allele origin: germline.
Comment: The p.F552L variant (also known as c.1656C>A), located in coding exon 15 of the POLE gene, results from a C to A substitution at nucleotide position 1656. The phenylalanine at codon 552 is replaced by leucine, an amino acid with highly similar properties. This amino acid position is conserved. In addition, the in silico prediction for this alteration is inconclusive. Since supporting evidence is limited at this time, the clinical significance of this alteration remains unclear.

NM_006231.4(POLE):c.1656C>A (p.Phe552Leu)

Gene: POLE (DNA polymerase epsilon, catalytic subunit; minus strand). Cytogenetic location: 12q24.33.
Variant type: single nucleotide variant.
Coding change: c.1656C>A on transcript NM_006231.4 (MANE Select); coding-DNA position 1656, C replaced by A.
Protein change: p.Phe552Leu; replaces phenylalanine 552 with leucine.
Molecular consequence: missense variant.
Genome position (GRCh38, 1-based): chr12:132,672,657, G>T on the plus strand (C>A on the coding strand, the complement: POLE is on the minus strand). VCF-style: chr12-132672657-G-T. GRCh37 (hg19) VCF-style: chr12-133249243-G-T.
Other names: short protein forms F552L.
Identifiers: ClinVar variation 3225397 (VCV003225397.1), dbSNP rs1555228270, ClinGen allele CA387356552.